The following is an entry in ClinVar:

NM_004974.4(KCNA2):c.1084C>T (p.Pro362Ser)

Gene: KCNA2 (potassium voltage-gated channel subfamily A member 2; minus strand). Cytogenetic location: 1p13.3.
Variant type: single nucleotide variant.
Coding change: c.1084C>T on transcript NM_004974.4 (MANE Select); coding-DNA position 1084, C replaced by T.
Protein change: p.Pro362Ser; replaces proline 362 with serine.
Molecular consequence: missense variant. On other transcripts: intron variant (1).
Genome position (GRCh38, 1-based): chr1:110,603,699, G>A on the plus strand (C>T on the coding strand, the complement: KCNA2 is on the minus strand). VCF-style: chr1-110603699-G-A. GRCh37 (hg19) VCF-style: chr1-111146321-G-A.
Other names: c.894+190C>T (NM_001204269.2); short protein forms P362S.
Identifiers: ClinVar variation 3618112 (VCV003618112.2).
Genomic context (GRCh38, chr1:110,603,699, plus strand): 5'-GAACCATGTCTCCATAGCCTACAGTTGTCATGGAGACGACTGCCCACCAGAAGGCATCTG[G>A]GATGCTGGGGAACTGGGACTCTCGCTCATCGGCCTCTGCAAAATACACAGCACTAGAGAA-3'
Protein context (NP_004965.1, residues 352-372): DERESQFPSI[Pro362Ser]DAFWWAVVSM

ClinVar aggregate classification (germline): Uncertain significance (1 of 4 stars; one submission).

Conditions:
Developmental and epileptic encephalopathy, 32 (DEE32). Also called: Epileptic encephalopathy, early infantile, 32. Identifiers: Orphanet 442835, MedGen C4225350, MONDO:0014607, OMIM 616366.

Submission:

Labcorp Genetics (formerly Invitae), Labcorp
Classification: Uncertain significance for Developmental and epileptic encephalopathy, 32. Last evaluated: 2024-10-30. Review status: criteria provided, single submitter. Criteria: Invitae Variant Classification Sherloc (09022015). Collection method: clinical testing. Allele origin: germline.
Comment: This sequence change replaces proline, which is neutral and non-polar, with serine, which is neutral and polar, at codon 362 of the KCNA2 protein (p.Pro362Ser). This variant is not present in population databases (gnomAD no frequency). This variant has not been reported in the literature in individuals affected with KCNA2-related conditions. Invitae Evidence Modeling of protein sequence and biophysical properties (such as structural, functional, and spatial information, amino acid conservation, physicochemical variation, residue mobility, and thermodynamic stability) indicates that this missense variant is expected to disrupt KCNA2 protein function with a positive predictive value of 95%. In summary, the available evidence is currently insufficient to determine the role of this variant in disease. Therefore, it has been classified as a Variant of Uncertain Significance.